The following is an entry in ClinVar:

ClinVar aggregate classification (germline): Conflicting classifications of pathogenicity. Review status: criteria provided, conflicting classifications (1 of 4 stars). 6 submissions from 6 submitters: Uncertain significance (3); Likely benign (3). Last evaluated 2024-11-08.

Conditions:
Dilated cardiomyopathy 1G (CMD1G). Identifiers: Orphanet 154, MedGen C1858763, MONDO:0011400, OMIM 604145.
Autosomal recessive limb-girdle muscular dystrophy type 2J (LGMDR10). Also called: Limb-girdle muscular dystrophy, type 2J; MUSCULAR DYSTROPHY, LIMB-GIRDLE, AUTOSOMAL RECESSIVE 10. Identifiers: Orphanet 140922, MedGen C1837342, MONDO:0012127, OMIM 608807.
Cardiomyopathy (CMYO). Also called: Cardiomyopathies. Identifiers: Orphanet 167848, MedGen C0878544, MONDO:0004994, HP:0001638. Inheritance: Various modes of inheritance.

Allele frequency attached by ClinVar (database versions not stated): ExAC 0.00008; gnomAD exomes 0.00008; gnomAD 0.00012 and 0.00013; ESP Exome Variant Server 0.00017; TOPMed 0.00020; 1000 Genomes Project 0.00080; 1000 Genomes Project 30x 0.00094.
gnomAD v4.1: 58 of 1,613,212 alleles (0.0036%); highest among the groups gnomAD compares: African/African-American, 0.037%; no homozygotes.

Submissions (6):

Women's Health and Genetics/Laboratory Corporation of America, LabCorp
Classification: Uncertain significance. Last evaluated: 2024-11-08. Review status: criteria provided, single submitter. Criteria: LabCorp Variant Classification Summary - May 2015. Collection method: clinical testing. Allele origin: germline.
Comment: Variant summary: TTN c.32128G>A (p.Val10710Ile) results in a conservative amino acid change located in the I band region of the encoded protein sequence. Three of three in-silico tools predict a benign effect of the variant on protein function. The variant allele was found at a frequency of 7.7e-05 in 247996 control chromosomes. This frequency is not significantly higher than estimated for a pathogenic variant in TTN causing Autosomal Recessive Titinopathy, allowing no conclusion about variant significance. To our knowledge, no occurrence of c.32128G>A in individuals affected with Autosomal Recessive Titinopathy and no experimental evidence demonstrating its impact on protein function have been reported. ClinVar contains an entry for this variant (Variation ID: 178222). Based on the evidence outlined above, the variant was classified as uncertain significance.

CHEO Genetics Diagnostic Laboratory, Children's Hospital of Eastern Ontario
Classification: Likely benign for Cardiomyopathy. Last evaluated: 2021-09-22. Review status: criteria provided, single submitter. Criteria: ACMG Guidelines, 2015. Collection method: clinical testing. Allele origin: germline.

ARUP Laboratories, Molecular Genetics and Genomics, ARUP Laboratories
Classification: Uncertain significance. Last evaluated: 2021-07-10. Review status: criteria provided, single submitter. Criteria: ARUP Molecular Germline Variant Investigation Process 2021. Collection method: clinical testing. Allele origin: germline.
Comment: The TTN c.39430G>A; p.Val13144Ile variant (rs374394719; ClinVar Variation ID: 178222) is rare in the general population (<0.2% allele frequency in the Genome Aggregation Database) and has not been reported in the medical literature in association with dilated cardiomyopathy (DCM) or other TTN-related disease. The clinical relevance of rare missense variants in this gene, which are identified on average once per individual sequenced in affected populations (Herman 2012), is not well understood. Yet, evidence suggests that the vast majority of such missense variants do not contribute to the clinical outcome of DCM (Begay 2015). Thus, the clinical significance of the p.Val13144Ile variant cannot be determined with certainty. References: Begay RL et al. Role of Titin Missense Variants in Dilated Cardiomyopathy. J Am Heart Assoc. 2015 Nov 13;4(11). PMID: 26567375. Herman DS et al. Truncations of titin causing dilated cardiomyopathy. N Engl J Med. 2012 Feb 16;366(7):619-28. PMID: 22335739.

GeneDx
Classification: Likely benign. Last evaluated: 2019-05-07. Review status: criteria provided, single submitter. Criteria: GeneDx Variant Classification Process June 2021. Collection method: clinical testing. Allele origin: germline. Affected: yes.

Labcorp Genetics (formerly Invitae), Labcorp
Classification: Uncertain significance for Dilated cardiomyopathy 1G; Autosomal recessive limb-girdle muscular dystrophy type 2J. Last evaluated: 2017-06-27. Review status: criteria provided, single submitter. Criteria: Invitae Variant Classification Sherloc (09022015). Collection method: clinical testing. Allele origin: germline.

Laboratory for Molecular Medicine, Mass General Brigham Personalized Medicine
Classification: Likely benign. Last evaluated: 2014-07-11. Review status: criteria provided, single submitter. Criteria: LMM Criteria. Collection method: clinical testing. Allele origin: germline. Observed: 1 variant allele.
Comment: Val10710Ile in exon 160 of TTN: This variant is not expected to have clinical si gnificance due to a lack of conservation across species, including mammals. Of n ote, >15 mammals have an isoleucine (Ile) at this position despite high nearby a mino acid conservation. In addition, computational prediction tools do not sugge st a high likelihood of impact to the protein. It has also been identified in 2/ 3748 African American chromosomes by the NHLBI Exome Sequencing Project (dbSNP rs374394719).

NM_001267550.2(TTN):c.39430G>A (p.Val13144Ile)

Gene: TTN (titin; minus strand). Cytogenetic location: 2q31.2.
Variant type: single nucleotide variant.
Coding change: c.39430G>A on transcript NM_001267550.2 (MANE Select); coding-DNA position 39430, G replaced by A.
Protein change: p.Val13144Ile; replaces valine 13144 with isoleucine.
Molecular consequence: missense variant. On other transcripts: intron variant (3).
Genome position (GRCh38, 1-based): chr2:178,651,699, C>T on the plus strand (G>A on the coding strand, the complement: TTN is on the minus strand). VCF-style: chr2-178651699-C-T. GRCh37 (hg19) VCF-style: chr2-179516426-C-T.
Other names: c.32128G>A, p.Val10710Ile (NM_133378.4); c.34909G>A, p.Val11637Ile (NM_001256850.1); c.13283-9382G>A (NM_003319.4); c.13859-9382G>A (NM_133437.4); c.13658-9382G>A (NM_133432.3); short protein forms V10710I, V13144I, V11637I.
Identifiers: ClinVar variation 178222 (VCV000178222.21), dbSNP rs374394719, ClinGen allele CA181830.